The following is an entry in ClinVar:

NM_001360016.2(G6PD):c.1154G>T (p.Cys385Phe)

Gene: G6PD (glucose-6-phosphate dehydrogenase; minus strand). Cytogenetic location: Xq28.
Variant type: single nucleotide variant.
Coding change: c.1154G>T on transcript NM_001360016.2 (MANE Select); coding-DNA position 1154, G replaced by T.
Protein change: p.Cys385Phe; replaces cysteine 385 with phenylalanine.
Molecular consequence: missense variant.
Genome position (GRCh38, 1-based): chrX:154,532,700, C>A on the plus strand (G>T on the coding strand, the complement: G6PD is on the minus strand). VCF-style: chrX-154532700-C-A. GRCh37 (hg19) VCF-style: chrX-153760915-C-A.
Other names: G6PD Lynwood; c.1244G>T, p.Cys415Phe (NM_000402.4); c.1154G>T, p.Cys385Phe (NM_001042351.3); short protein forms C385F, C415F.
Identifiers: ClinVar variation 1722616 (VCV001722616.3), dbSNP rs2523262780, ClinGen allele CA415234103.

ClinVar aggregate classification (germline): Likely pathogenic. Review status: criteria provided, multiple submitters, no conflicts (2 of 4 stars). 2 submissions from 2 submitters: Likely pathogenic (2). Last evaluated 2024-01-19.

Conditions:
Anemia, nonspherocytic hemolytic, due to G6PD deficiency (CNSHA1). Also called: ANEMIA, CONGENITAL, NONSPHEROCYTIC HEMOLYTIC, 1; Hemolytic anemia due to G6PD deficiency; Class I glucose-6-phosphate dehydrogenase deficiency; Favism, susceptibility to. Identifiers: Orphanet 466026, MedGen C2720289, MONDO:0010480, OMIM 300908.

Submissions (2):

Revvity Omics, Revvity
Classification: Likely pathogenic for Anemia, nonspherocytic hemolytic, due to G6PD deficiency. Last evaluated: 2024-01-19. Review status: criteria provided, single submitter. Criteria: ACMG Guidelines, 2015. Collection method: clinical testing. Allele origin: germline.

Dunham Lab, University of Washington
Classification: Likely pathogenic for Anemia, nonspherocytic hemolytic, due to G6PD deficiency. Last evaluated: 2022-08-12. Review status: criteria provided, single submitter. Criteria: Bayesian ACMG Guidelines, 2018. Collection method: curation. Allele origin: unknown. Affected: yes.
Comment: Alters dimerization domain (PM1) and affects same amino acid as pathogenic 385C>R (ClinVar ID 10377) (PM5). Predicted to be probably damaging or deleterious by multiple computational algorithms (PP3). Not found in gnomAD (PM2). Post_P 0.949 (odds of pathogenicity 351.3, Prior_P 0.1).

Literature cited by the submitters: PubMed 9410474 (cited by Dunham Lab, University of Washington); PubMed 28028996 (cited by Dunham Lab, University of Washington); PubMed 31294066 (cited by Dunham Lab, University of Washington).